The following is an entry in ClinVar:

NM_000059.4(BRCA2):c.8803A>G (p.Met2935Val)

Gene: BRCA2 (BRCA2 DNA repair associated; plus strand). Cytogenetic location: 13q13.1.
Variant type: single nucleotide variant.
Coding change: c.8803A>G on transcript NM_000059.4 (MANE Select); coding-DNA position 8803, A replaced by G.
Protein change: p.Met2935Val; replaces methionine 2935 with valine.
Molecular consequence: missense variant. On other transcripts: non-coding transcript variant (1).
Genome position (GRCh38, 1-based): chr13:32,379,365, A>G. VCF-style: chr13-32379365-A-G. GRCh37 (hg19) VCF-style: chr13-32953502-A-G.
Other names: c.8707A>G, p.Met2903Val (NM_001406719.1); c.8803A>G, p.Met2935Val (NM_001406720.1); c.3871A>G, p.Met1291Val (NM_001406721.1); c.2386A>G, p.Met796Val (NM_001406722.1); short protein forms M2935V, M1291V, M2903V, M796V.
Identifiers: ClinVar variation 2698669 (VCV002698669.3), dbSNP rs2137619365, ClinGen allele CA387756017.
Genomic context (GRCh38, chr13:32,379,365, plus strand): 5'-AAATGGTCACAGGGTTATTTCAGTGAAGAGCAGTTAAGAGCCTTGAATAATCACAGGCAA[A>G]TGTTGAATGATAAGAAACAAGCTCAGATCCAGTTGGAAATTAGGAAGGCCATGGAATCTG-3'
Protein context (NP_000050.3, residues 2925-2945): QLRALNNHRQ[Met2935Val]LNDKKQAQIQ

ClinVar aggregate classification (germline): Uncertain significance (1 of 4 stars; one submission).

Conditions:
Hereditary breast ovarian cancer syndrome. Also called: BRCA1- and BRCA2-Associated Hereditary Breast and Ovarian Cancer; Hereditary breast and ovarian cancer; Hereditary breast and ovarian cancer syndrome (HBOC); Hereditary breast and ovarian cancer syndrome; Hereditary breast and/or ovarian cancer syndrome; Breast and ovarian cancer. Identifiers: Orphanet 145, MedGen C0677776, MeSH D061325, MONDO:0003582. Disease mechanism: loss of function.

Submission:

Labcorp Genetics (formerly Invitae), Labcorp
Classification: Uncertain significance for Hereditary breast ovarian cancer syndrome. Last evaluated: 2023-11-24. Review status: criteria provided, single submitter. Criteria: Invitae Variant Classification Sherloc (09022015). Collection method: clinical testing. Allele origin: germline.
Comment: This sequence change replaces methionine, which is neutral and non-polar, with valine, which is neutral and non-polar, at codon 2935 of the BRCA2 protein (p.Met2935Val). This variant is not present in population databases (gnomAD no frequency). This variant has not been reported in the literature in individuals affected with BRCA2-related conditions. Advanced modeling of protein sequence and biophysical properties (such as structural, functional, and spatial information, amino acid conservation, physicochemical variation, residue mobility, and thermodynamic stability) performed at Invitae indicates that this missense variant is not expected to disrupt BRCA2 protein function with a negative predictive value of 95%. In summary, the available evidence is currently insufficient to determine the role of this variant in disease. Therefore, it has been classified as a Variant of Uncertain Significance.